The following is an entry in ClinVar:

ClinVar aggregate classification (germline): Uncertain significance (1 of 4 stars; one submission).

Conditions:
Senior-Loken syndrome 8 (SLSN8). Identifiers: Orphanet 3156, MedGen C4225376, MONDO:0014579, OMIM 616307.
Asphyxiating thoracic dystrophy 5 (SRTD5). Also called: SHORT-RIB THORACIC DYSPLASIA 5 WITH OR WITHOUT POLYDACTYLY; SHORT-RIB THORACIC DYSPLASIA 5 WITHOUT POLYDACTYLY. Identifiers: Orphanet 474, MedGen C3280598, MONDO:0013717, OMIM 614376.

gnomAD v4.1: 9 of 1,613,744 alleles (0.00056%); highest among the groups gnomAD compares: East Asian, 0.018%; no homozygotes.

Submission:

Labcorp Genetics (formerly Invitae), Labcorp
Classification: Uncertain significance for Senior-Loken syndrome 8; Asphyxiating thoracic dystrophy 5. Last evaluated: 2024-03-21. Review status: criteria provided, single submitter. Criteria: Invitae Variant Classification Sherloc (09022015). Collection method: clinical testing. Allele origin: germline.
Comment: This sequence change replaces isoleucine, which is neutral and non-polar, with valine, which is neutral and non-polar, at codon 352 of the WDR19 protein (p.Ile352Val). This variant is present in population databases (rs187559874, gnomAD 0.02%). This variant has not been reported in the literature in individuals affected with WDR19-related conditions. Advanced modeling of protein sequence and biophysical properties (such as structural, functional, and spatial information, amino acid conservation, physicochemical variation, residue mobility, and thermodynamic stability) performed at Invitae indicates that this missense variant is not expected to disrupt WDR19 protein function with a negative predictive value of 80%. In summary, the available evidence is currently insufficient to determine the role of this variant in disease. Therefore, it has been classified as a Variant of Uncertain Significance.

NM_025132.4(WDR19):c.1054A>G (p.Ile352Val)

Gene: WDR19 (WD repeat domain 19; plus strand). Cytogenetic location: 4p14.
Variant type: single nucleotide variant.
Coding change: c.1054A>G on transcript NM_025132.4 (MANE Select); coding-DNA position 1054, A replaced by G.
Protein change: p.Ile352Val; replaces isoleucine 352 with valine.
Molecular consequence: missense variant.
Genome position (GRCh38, 1-based): chr4:39,215,933, A>G. VCF-style: chr4-39215933-A-G. GRCh37 (hg19) VCF-style: chr4-39217553-A-G.
Other names: c.574A>G, p.Ile192Val (NM_001317924.2); short protein forms I192V, I352V.
Identifiers: ClinVar variation 3761540 (VCV003761540.2).
Genomic context (GRCh38, chr4:39,215,933, plus strand): 5'-CAGTTGCTAGCACTCTCTACCCAAAGGGGCTCACTTCATGTTTTCCTGACCAAGCTTCCC[A>G]TACTTGGGGATGCCTGCAGCACAAGGATTGCCTATCTCACCTCCCTCCTTGAAGTCACCG-3'
Protein context (NP_079408.3, residues 342-362): SLHVFLTKLP[Ile352Val]LGDACSTRIA